The following is an entry in ClinVar:

ClinVar aggregate classification (germline): Uncertain significance. Review status: criteria provided, multiple submitters, no conflicts (2 of 4 stars). 3 submissions from 3 submitters: Uncertain significance (3). Last evaluated 2026-08-27.

Conditions:
Baller-Gerold syndrome (BGS). Also called: CRANIOSYNOSTOSIS WITH RADIAL DEFECTS. Identifiers: Orphanet 1225, MedGen C0265308, MONDO:0009039, OMIM 218600.
Inborn genetic diseases. Identifiers: MedGen C0950123, MeSH D030342.

Allele frequency attached by ClinVar (database versions not stated): gnomAD exomes below 0.00001; TOPMed 0.00001.
gnomAD v4.1: 25 of 1,612,812 alleles (0.0016%); highest among the groups gnomAD compares: African/African-American, 0.0027%; no homozygotes.

Submissions (3):

Ambry Genetics
Classification: Uncertain significance for Inborn genetic diseases. Last evaluated: 2026-08-27. Review status: criteria provided, single submitter. Criteria: Ambry Variant Classification Scheme 2023. Collection method: clinical testing. Allele origin: germline.

Labcorp Genetics (formerly Invitae), Labcorp
Classification: Uncertain significance for Baller-Gerold syndrome. Last evaluated: 2025-05-28. Review status: criteria provided, single submitter. Criteria: Invitae Variant Classification Sherloc (09022015). Collection method: clinical testing. Allele origin: germline.
Comment: This sequence change replaces alanine, which is neutral and non-polar, with aspartic acid, which is acidic and polar, at codon 337 of the RECQL4 protein (p.Ala337Asp). This variant is present in population databases (no rsID available, gnomAD 0.002%). This variant has not been reported in the literature in individuals affected with RECQL4-related conditions. ClinVar contains an entry for this variant (Variation ID: 857265). Invitae Evidence Modeling of protein sequence and biophysical properties (such as structural, functional, and spatial information, amino acid conservation, physicochemical variation, residue mobility, and thermodynamic stability) indicates that this missense variant is not expected to disrupt RECQL4 protein function with a negative predictive value of 80%. In summary, the available evidence is currently insufficient to determine the role of this variant in disease. Therefore, it has been classified as a Variant of Uncertain Significance.

GeneDx
Classification: Uncertain significance. Last evaluated: 2020-01-31. Review status: criteria provided, single submitter. Criteria: GeneDx Variant Classification Process June 2021. Collection method: clinical testing. Allele origin: germline. Affected: yes.
Comment: In silico analysis supports that this missense variant does not alter protein structure/function; Has not been previously published as pathogenic or benign to our knowledge; Not observed at a significant frequency in large population cohorts (Lek et al., 2016)

NM_004260.4(RECQL4):c.1010C>A (p.Ala337Asp)

Gene: RECQL4 (RecQ like helicase 4; minus strand). Cytogenetic location: 8q24.3.
Variant type: single nucleotide variant.
Coding change: c.1010C>A on transcript NM_004260.4 (MANE Select); coding-DNA position 1010, C replaced by A.
Protein change: p.Ala337Asp; replaces alanine 337 with aspartic acid.
Molecular consequence: missense variant.
Genome position (GRCh38, 1-based): chr8:144,516,109, G>T on the plus strand (C>A on the coding strand, the complement: RECQL4 is on the minus strand). VCF-style: chr8-144516109-G-T. GRCh37 (hg19) VCF-style: chr8-145741493-G-T.
Other names: short protein forms A337D.
Identifiers: ClinVar variation 857265 (VCV000857265.10), dbSNP rs1434732916, ClinGen allele CA372688335.
Genomic context (GRCh38, chr8:144,516,109, plus strand): 5'-TTGAGCCGTACGTAATTGCCCCTGTCATGGCGGGCCAGCCGAGGGAAGATGTGCAGGGGG[G>T]CTGTGCCCTCAGCCTTCCCAGCCCTAGCTTGACTGGAGGGGCTGAGTCCGTGGTACCTGG-3'
Protein context (NP_004251.4, residues 327-347): QARAGKAEGT[Ala337Asp]PLHIFPRLAR